The following is an entry in ClinVar:

ClinVar aggregate classification (germline): Uncertain significance (0 of 4 stars; one submission).

Conditions:
CELSR2-related disorder. Also called: CELSR2-related condition.

Submission:

PreventionGenetics, part of Exact Sciences
Classification: Uncertain significance for CELSR2-related condition. Last evaluated: 2024-07-31. Review status: no assertion criteria provided. Collection method: clinical testing. Allele origin: germline.
Comment: The CELSR2 c.1276C>T variant is predicted to result in premature protein termination (p.Arg426*). To our knowledge, this variant has not been reported in the literature. This variant is reported in 0.00088% of alleles in individuals of European (Non-Finnish) descent in gnomAD. Loss of function variants (such as this nonsense variant) in CELSR2 are not an established mechanism of disease. Therefore, at this time, the clinical significance of this variant is uncertain due to the absence of conclusive functional and genetic evidence.

NM_001408.3(CELSR2):c.1276C>T (p.Arg426Ter)

Gene: CELSR2 (cadherin EGF LAG seven-pass G-type receptor 2; plus strand). Cytogenetic location: 1p13.3.
Variant type: single nucleotide variant.
Coding change: c.1276C>T on transcript NM_001408.3 (MANE Select); coding-DNA position 1276, C replaced by T.
Protein change: p.Arg426Ter; replaces arginine 426 with a stop codon.
Molecular consequence: nonsense.
Genome position (GRCh38, 1-based): chr1:109,251,355, C>T. VCF-style: chr1-109251355-C-T. GRCh37 (hg19) VCF-style: chr1-109793977-C-T.
Other names: short protein forms R426*.
Identifiers: ClinVar variation 3344459 (VCV003344459.1).
Genomic context (GRCh38, chr1:109,251,355, plus strand): 5'-GTCCAGGTGAGGGAGGATGTGACTCCAGGGGCCCCAGTACTCCGAGTCACAGCCTCGGAT[C>T]GAGACAAGGGGAGCAATGCCGTGGTGCACTATAGCATCATGAGTGGCAATGCTCGGGGAC-3'